The following is an entry in ClinVar:

ClinVar aggregate classification (germline): Uncertain significance. Review status: criteria provided, multiple submitters, no conflicts (2 of 4 stars). 2 submissions from 2 submitters: Uncertain significance (2). Last evaluated 2025-08-10.

gnomAD v4.1: 21 of 1,614,110 alleles (0.0013%); highest among the groups gnomAD compares: Admixed American, 0.0033%; no homozygotes.

Submissions (2):

Ambry Genetics
Classification: Uncertain significance. Last evaluated: 2025-08-10. Review status: criteria provided, single submitter. Criteria: Ambry Variant Classification Scheme 2023. Collection method: clinical testing. Allele origin: germline.

Labcorp Genetics (formerly Invitae), Labcorp
Classification: Uncertain significance. Last evaluated: 2025-05-19. Review status: criteria provided, single submitter. Criteria: Invitae Variant Classification Sherloc (09022015). Collection method: clinical testing. Allele origin: germline.
Comment: This sequence change replaces glycine, which is neutral and non-polar, with aspartic acid, which is acidic and polar, at codon 250 of the SYNPO protein (p.Gly250Asp). This variant is present in population databases (rs751008028, gnomAD 0.004%). This variant has not been reported in the literature in individuals affected with SYNPO-related conditions. ClinVar contains an entry for this variant (Variation ID: 3635333). An algorithm developed to predict the effect of missense changes on protein structure and function outputs the following: PolyPhen-2: "Benign". The aspartic acid amino acid residue is found in multiple mammalian species, which suggests that this missense change does not adversely affect protein function. In summary, the available evidence is currently insufficient to determine the role of this variant in disease. Therefore, it has been classified as a Variant of Uncertain Significance.

NM_007286.6(SYNPO):c.749G>A (p.Gly250Asp)

Gene: SYNPO (synaptopodin; plus strand). Cytogenetic location: 5q33.1.
Variant type: single nucleotide variant.
Coding change: c.749G>A on transcript NM_007286.6 (MANE Select); coding-DNA position 749, G replaced by A.
Protein change: p.Gly250Asp; replaces glycine 250 with aspartic acid.
Molecular consequence: missense variant.
Genome position (GRCh38, 1-based): chr5:150,649,024, G>A. VCF-style: chr5-150649024-G-A. GRCh37 (hg19) VCF-style: chr5-150028586-G-A.
Other names: c.749G>A, p.Gly250Asp (NM_001109974.3); c.1481G>A, p.Gly494Asp (NM_001166208.2, NM_001166209.2); c.1481G>A (NM_001166208.1); short protein forms G250D, G494D.
Identifiers: ClinVar variation 3635333 (VCV003635333.3).